The following is an entry in ClinVar:

NM_001365536.1(SCN9A):c.213G>A (p.Val71=)

Gene: SCN9A (sodium voltage-gated channel alpha subunit 9; minus strand). Cytogenetic location: 2q24.3.
Variant type: single nucleotide variant.
Coding change: c.213G>A on transcript NM_001365536.1 (MANE Select); coding-DNA position 213, G replaced by A.
Protein change: p.Val71=; no amino-acid change (valine 71 retained).
Molecular consequence: synonymous variant.
Genome position (GRCh38, 1-based): chr2:166,311,544, C>T on the plus strand (G>A on the coding strand, the complement: SCN9A is on the minus strand). VCF-style: chr2-166311544-C-T. GRCh37 (hg19) VCF-style: chr2-167168054-C-T.
Other names: c.213G>A, p.Val71= (NM_002977.4).
Identifiers: ClinVar variation 332000 (VCV000332000.23), dbSNP rs200240989, ClinGen allele CA1944867.

ClinVar aggregate classification (germline): Conflicting classifications of pathogenicity. Review status: criteria provided, conflicting classifications (1 of 4 stars). 8 submissions from 6 submitters: Uncertain significance (1); Benign (1); Likely benign (6). Last evaluated 2026-04-01.

Conditions:
Inborn genetic diseases. Identifiers: MedGen C0950123, MeSH D030342.
Primary erythromelalgia. Also called: SCN9A Erythromelalgia (SCN9A-EM); primary erythermalgia. Identifiers: Orphanet 306577, Orphanet 90026, MedGen C0014805, MONDO:0007571, OMIM 133020.
Neuropathy, hereditary sensory and autonomic, type 2A (HSAN2A). Also called: WNK1-Related HSAN2 (HSAN2A); ACROOSTEOLYSIS, GIACCAI TYPE; ACROOSTEOLYSIS, NEUROGENIC; NEUROPATHY, CONGENITAL SENSORY; NEUROPATHY, HEREDITARY SENSORY RADICULAR, AUTOSOMAL RECESSIVE; NEUROPATHY, HEREDITARY SENSORY, TYPE IIA. Identifiers: Orphanet 970, MedGen C2752089, MONDO:0024309, OMIM 201300.
Generalized epilepsy with febrile seizures plus, type 7 (GEFSP7). Also called: GEFS+, TYPE 7. Identifiers: Orphanet 36387, MedGen C2751778, MONDO:0013470, OMIM 613863.
Paroxysmal extreme pain disorder (PEXPD). Also called: SCN9A Paroxysmal Extreme Pain Disorder (SCN9A-PEPD); PAIN, SUBMANDIBULAR, OCULAR, AND RECTAL, WITH FLUSHING; RECTAL PAIN, FAMILIAL. Identifiers: Orphanet 46348, MedGen C1833661, MONDO:0008179, OMIM 167400.
Channelopathy-associated congenital insensitivity to pain, autosomal recessive. Also called: ASYMBOLIA FOR PAIN; CONGENITAL ANALGESIA, AUTOSOMAL RECESSIVE; Insensitivity to pain, channelopathy-associated. Identifiers: Orphanet 88642, Orphanet 970, MedGen C1855739, MONDO:0009459, OMIM 243000.

Allele frequency attached by ClinVar (database versions not stated): gnomAD 0.00007 and 0.00008; TOPMed 0.00008; ExAC 0.00009; ESP Exome Variant Server 0.00023.
gnomAD v4.1: 278 of 1,612,456 alleles (0.017%); highest among the groups gnomAD compares: Non-Finnish European, 0.022%; no homozygotes.

Submissions (8):

CeGaT Center for Human Genetics Tuebingen
Classification: Likely benign. Last evaluated: 2026-04-01. Review status: criteria provided, single submitter. Criteria: CeGaT Center For Human Genetics Tuebingen Variant Classification Criteria Version 2. Collection method: clinical testing. Allele origin: germline. Affected: yes. Observed: 1 variant allele.
Comment: SCN9A: BP4, BP7

Labcorp Genetics (formerly Invitae), Labcorp
Classification: Likely benign for Neuropathy, hereditary sensory and autonomic, type 2A; Generalized epilepsy with febrile seizures plus, type 7. Last evaluated: 2025-10-13. Review status: criteria provided, single submitter. Criteria: Invitae Variant Classification Sherloc (09022015). Collection method: clinical testing. Allele origin: germline.

Blueprint Genetics
Classification: Likely benign. Last evaluated: 2024-08-29. Review status: criteria provided, single submitter. Criteria: ACMG Guidelines, 2015. Collection method: clinical testing. Allele origin: germline.

GeneDx
Classification: Likely benign. Last evaluated: 2020-12-04. Review status: criteria provided, single submitter. Criteria: GeneDx Variant Classification Process June 2021. Collection method: clinical testing. Allele origin: germline. Affected: yes.

Ambry Genetics
Classification: Likely benign for Inborn genetic diseases. Last evaluated: 2019-07-11. Review status: criteria provided, single submitter. Criteria: Ambry Variant Classification Scheme 2023. Collection method: clinical testing. Allele origin: germline.

Illumina Laboratory Services, Illumina
Classification: Uncertain significance for Channelopathy-associated congenital insensitivity to pain, autosomal recessive. Last evaluated: 2018-01-13. Review status: criteria provided, single submitter. Criteria: ICSL Variant Classification Criteria 13 December 2019. Collection method: clinical testing. Allele origin: germline.

Illumina Laboratory Services, Illumina
Classification: Benign for Paroxysmal extreme pain disorder. Last evaluated: 2018-01-13. Review status: criteria provided, single submitter. Criteria: ICSL Variant Classification Criteria 13 December 2019. Collection method: clinical testing. Allele origin: germline.
Comment: This variant was observed in the ICSL laboratory as part of a predisposition screen in an ostensibly healthy population. It had not been previously curated by ICSL or reported in the Human Gene Mutation Database (HGMD: prior to June 1st, 2018), and was therefore a candidate for classification through an automated scoring system. Utilizing variant allele frequency, disease prevalence and penetrance estimates, and inheritance mode, an automated score was calculated to assess if this variant is too frequent to cause the disease. Based on the score and internal cut-off values, a variant classified as benign is not then subjected to further curation. The score for this variant resulted in a classification of benign for this disease.

Illumina Laboratory Services, Illumina
Classification: Likely benign for Primary erythromelalgia. Last evaluated: 2018-01-13. Review status: criteria provided, single submitter. Criteria: ICSL Variant Classification Criteria 13 December 2019. Collection method: clinical testing. Allele origin: germline.
Comment: This variant was observed in the ICSL laboratory as part of a predisposition screen in an ostensibly healthy population. It had not been previously curated by ICSL or reported in the Human Gene Mutation Database (HGMD: prior to June 1st, 2018), and was therefore a candidate for classification through an automated scoring system. Utilizing variant allele frequency, disease prevalence and penetrance estimates, and inheritance mode, an automated score was calculated to assess if this variant is too frequent to cause the disease. Based on the score and internal cut-off values, a variant classified as likely benign is not then subjected to further curation. The score for this variant resulted in a classification of likely benign for this disease.